The following is an entry in ClinVar:

ClinVar aggregate classification (germline): Uncertain significance (1 of 4 stars; one submission).

gnomAD v4.1: 1 of 1,613,862 alleles (0.000062%); highest among the groups gnomAD compares: Non-Finnish European, 0.000085%; no homozygotes.

Submission:

Ambry Genetics
Classification: Uncertain significance. Last evaluated: 2023-12-23. Review status: criteria provided, single submitter. Criteria: Ambry Variant Classification Scheme 2023. Collection method: clinical testing. Allele origin: germline.
Comment: The p.S667W variant (also known as c.2000C>G), located in coding exon 18 of the BUB1 gene, results from a C to G substitution at nucleotide position 2000. The serine at codon 667 is replaced by tryptophan, an amino acid with highly dissimilar properties. This amino acid position is conserved. In addition, this alteration is predicted to be tolerated by in silico analysis. Since supporting evidence is limited at this time, the clinical significance of this alteration remains unclear.

NM_004336.5(BUB1):c.2000C>G (p.Ser667Trp)

Gene: BUB1 (BUB1 mitotic checkpoint serine/threonine kinase; minus strand). Cytogenetic location: 2q13.
Variant type: single nucleotide variant.
Coding change: c.2000C>G on transcript NM_004336.5 (MANE Select); coding-DNA position 2000, C replaced by G.
Protein change: p.Ser667Trp; replaces serine 667 with tryptophan.
Molecular consequence: missense variant.
Genome position (GRCh38, 1-based): chr2:110,650,749, G>C on the plus strand (C>G on the coding strand, the complement: BUB1 is on the minus strand). VCF-style: chr2-110650749-G-C. GRCh37 (hg19) VCF-style: chr2-111408326-G-C.
Other names: c.1940C>G, p.Ser647Trp (NM_001278616.2); c.2000C>G, p.Ser667Trp (NM_001278617.2); short protein forms S667W, S647W.
Identifiers: ClinVar variation 1784231 (VCV001784231.2), dbSNP rs975621280, ClinGen allele CA348210106.
Genomic context (GRCh38, chr2:110,650,749, plus strand): 5'-AGTACCCCACCTGCAGCAGGCTGGCTCAGACGAAGTAAGGATGCTGAATACATGTGAGAC[G>C]ACAAGGCCTGTTTTGGGCTTTTCTCTTGAATTGGACTGGACGTGTGAAAGGAATAAAGAA-3'
Protein context (NP_004327.1, residues 657-677): IQEKSPKQAL[Ser667Trp]SHMYSASLLR